The following is an entry in ClinVar:

NM_012452.3(TNFRSF13B):c.58C>T (p.Arg20Cys)

Gene: TNFRSF13B (TNF receptor superfamily member 13B; minus strand). Cytogenetic location: 17p11.2.
Variant type: single nucleotide variant.
Coding change: c.58C>T on transcript NM_012452.3 (MANE Select); coding-DNA position 58, C replaced by T.
Protein change: p.Arg20Cys; replaces arginine 20 with cysteine.
Molecular consequence: missense variant.
Genome position (GRCh38, 1-based): chr17:16,972,018, G>A on the plus strand (C>T on the coding strand, the complement: TNFRSF13B is on the minus strand). VCF-style: chr17-16972018-G-A. GRCh37 (hg19) VCF-style: chr17-16875332-G-A.
Other names: short protein forms R20C.
Identifiers: ClinVar variation 577672 (VCV000577672.51), dbSNP rs200013015, ClinGen allele CA8414154.

ClinVar aggregate classification (germline): Uncertain significance. Review status: criteria provided, multiple submitters, no conflicts (2 of 4 stars). 6 submissions from 6 submitters: Uncertain significance (6). Last evaluated 2025-03-04.

Conditions:
Immunodeficiency, common variable, 2 (CVID2). Also called: ANTIBODY DEFICIENCY DUE TO TACI DEFECT; HYPOGAMMAGLOBULINEMIA DUE TO TACI DEFICIENCY. Identifiers: Orphanet 1572, MedGen C3150354, MONDO:0009413, OMIM 240500.
Immunoglobulin A deficiency 2 (IGAD2). Identifiers: MedGen C1836032, MONDO:0012291, OMIM 609529.

Allele frequency attached by ClinVar (database versions not stated): ExAC 0.00006; gnomAD exomes 0.00007; TOPMed 0.00010; gnomAD 0.00012 and 0.00013; ESP Exome Variant Server 0.00015; 1000 Genomes Project 0.00020; 1000 Genomes Project 30x 0.00031.
gnomAD v4.1: 190 of 1,613,998 alleles (0.012%); highest among the groups gnomAD compares: East Asian, 0.013%; no homozygotes.

Submissions (6):

Center for Genomic Medicine, Rigshospitalet, Copenhagen University Hospital
Classification: Uncertain significance. Last evaluated: 2025-03-04. Review status: criteria provided, single submitter. Criteria: ACMG Guidelines, 2015. Collection method: clinical testing. Allele origin: germline.

ARUP Laboratories, Molecular Genetics and Genomics, ARUP Laboratories
Classification: Uncertain significance. Last evaluated: 2024-05-23. Review status: criteria provided, single submitter. Criteria: ARUP Molecular Germline Variant Investigation Process 2024. Collection method: clinical testing. Allele origin: germline.
Comment: The TNFRSF13B c.58C>T; p.Arg20Cys variant (rs200013015) is reported in the literature in individuals affected with primary antibody deficiency, common variable immunodeficiency, or systemic lupus erythematosus, but did not segregate with disease in at least one family (Bisgin 2021, Kakkas 2021, Salzer 2007, Wang 2010). This variant is also reported in ClinVar (Variation ID: 577672), and is found in the general population with an overall allele frequency of 0.0081% (23/282658 alleles) in the Genome Aggregation Database (v2.1.1). Computational analyses are uncertain whether this variant is neutral or deleterious (REVEL: 0.294). Due to limited information, the clinical significance of this variant is uncertain at this time. References: Bisgin A et al. The impact of rare and low-frequency genetic variants in common variable immunodeficiency (CVID). Sci Rep. 2021 Apr 15;11(1):8308. PMID: 33859323. Kakkas I et al. TACI Mutations in Primary Antibody Deficiencies: A Nationwide Study in Greece. Medicina (Kaunas). 2021 Aug 16;57(8):827. PMID: 34441032. Salzer U et al. Sequence analysis of TNFRSF13b, encoding TACI, in patients with systemic lupus erythematosus. J Clin Immunol. 2007 Jul;27(4):372-7. PMID: 17464555. Wang HY et al. A custom 148 gene-based resequencing chip and the SNP explorer software: new tools to study antibody deficiency. Hum Mutat. 2010 Sep;31(9):1080-8. PMID: 20652909.

Labcorp Genetics (formerly Invitae), Labcorp
Classification: Uncertain significance for Immunodeficiency, common variable, 2. Last evaluated: 2022-08-23. Review status: criteria provided, single submitter. Criteria: Invitae Variant Classification Sherloc (09022015). Collection method: clinical testing. Allele origin: germline.
Comment: This sequence change replaces arginine, which is basic and polar, with cysteine, which is neutral and slightly polar, at codon 20 of the TNFRSF13B protein (p.Arg20Cys). This variant is present in population databases (rs200013015, gnomAD 0.03%). This missense change has been observed in individual(s) with systemic lupus erythematosus (SLE) and hyper-IgM syndrome or common variable immunodeficiency (PMID: 17464555, 20652909, 33859323, 34441032). ClinVar contains an entry for this variant (Variation ID: 577672). Algorithms developed to predict the effect of missense changes on protein structure and function (SIFT, PolyPhen-2, Align-GVGD) all suggest that this variant is likely to be tolerated. In summary, the available evidence is currently insufficient to determine the role of this variant in disease. Therefore, it has been classified as a Variant of Uncertain Significance.

CeGaT Center for Human Genetics Tuebingen
Classification: Uncertain significance. Last evaluated: 2022-08-01. Review status: criteria provided, single submitter. Criteria: CeGaT Center For Human Genetics Tuebingen Variant Classification Criteria Version 2. Collection method: clinical testing. Allele origin: germline. Affected: yes. Observed: 2 variant alleles.

New York Genome Center
Classification: Uncertain significance for Immunodeficiency, common variable, 2; Immunoglobulin A deficiency 2. Last evaluated: 2021-07-23. Review status: criteria provided, single submitter. Criteria: NYGC Assertion Criteria 2020. Collection method: clinical testing. Allele origin: inherited. Observed: 2 heterozygotes. Clinical features observed: Autism (HP:0000717), Global developmental delay (HP:0001263), Immunodeficiency (HP:0002721), Recurrent infections (HP:0002719), Hypothyroidism (HP:0000821), Premature ventricular contraction (HP:0006682), Palpitations (HP:0001962), Syncope (HP:0001279), Chronic diarrhea (HP:0002028), Weight loss (HP:0001824), Pyoderma gangrenosum (HP:0025452). Study: CSER-NYCKidSeq.
Comment: The inherited heterozygous c.58C>T (p.Arg20Cys) missense variant identified in the TNFRSF13B gene has been reported in a patient affected with hyper-IgM syndrome or common variable immunodeficiency [PMID: 20652909], and in another individual affected with systemic lupus erythematosus (but didn't co-segregate with the disease in that family [PMID: 17464555]. This variant has been reported in ClinVar database as a variant of uncertain significance [Variation ID: 577672]. The variant has 0.0001249 allele frequency in the gnomAD database (19 out of 152,114 heterozygous alleles, no homozygotes) indicating it is not a benign polymorphism in the populations represented in that database. The variant affects a weakly conserved reside and in silico tools provide conflicting interpretations about potential pathogenicity of this variant. Due to the lack of compelling evidence for its pathogenicity, the inherited heterozygous c.58C>T (p.Arg20Cys) missense variant identified in the TNFRSF13B gene of this individual is reported as a variant of uncertain significance.

Center for Personalized Medicine, Children's Hospital Los Angeles
Classification: Uncertain significance. Last evaluated: 2018-11-19. Review status: criteria provided, single submitter. Criteria: ACMG Guidelines, 2015. Collection method: clinical testing. Allele origin: germline. Affected: yes.

Literature cited by the submitters: PubMed 20652909 (cited by Center for Genomic Medicine, Rigshospitalet, Copenhagen University Hospital and Labcorp Genetics (formerly Invitae), Labcorp); PubMed 33859323 (cited by Center for Genomic Medicine, Rigshospitalet, Copenhagen University Hospital and Labcorp Genetics (formerly Invitae), Labcorp); PubMed 34441032 (cited by Center for Genomic Medicine, Rigshospitalet, Copenhagen University Hospital and Labcorp Genetics (formerly Invitae), Labcorp); PubMed 17464555 (cited by Labcorp Genetics (formerly Invitae), Labcorp).